The following is an entry in ClinVar:

NM_152383.5(DIS3L2):c.841C>T (p.Pro281Ser)

Gene: DIS3L2 (DIS3 like 3'-5' exoribonuclease 2; plus strand). Cytogenetic location: 2q37.1.
Variant type: single nucleotide variant.
Coding change: c.841C>T on transcript NM_152383.5 (MANE Select); coding-DNA position 841, C replaced by T.
Protein change: p.Pro281Ser; replaces proline 281 with serine.
Molecular consequence: missense variant. On other transcripts: non-coding transcript variant (1).
Genome position (GRCh38, 1-based): chr2:232,136,610, C>T. VCF-style: chr2-232136610-C-T. GRCh37 (hg19) VCF-style: chr2-233001320-C-T.
Other names: c.841C>T, p.Pro281Ser (NM_001257281.2); short protein forms P281S.
Identifiers: ClinVar variation 1513744 (VCV001513744.8), dbSNP rs2106355470, ClinGen allele CA351153706.

ClinVar aggregate classification (germline): Uncertain significance (1 of 4 stars; one submission).

Conditions:
Perlman syndrome (PRLMNS). Identifiers: Orphanet 2849, MedGen C0796113, MONDO:0009965, OMIM 267000.

Allele frequency attached by ClinVar (database versions not stated): gnomAD exomes below 0.00001.
gnomAD v4.1: 1 of 1,613,906 alleles (0.000062%); no homozygotes.

Submission:

Labcorp Genetics (formerly Invitae), Labcorp
Classification: Uncertain significance for Perlman syndrome. Last evaluated: 2021-02-27. Review status: criteria provided, single submitter. Criteria: Invitae Variant Classification Sherloc (09022015). Collection method: clinical testing. Allele origin: germline.
Comment: This sequence change replaces proline with serine at codon 281 of the DIS3L2 protein (p.Pro281Ser). The proline residue is moderately conserved and there is a moderate physicochemical difference between proline and serine. This variant is not present in population databases (ExAC no frequency). This variant has not been reported in the literature in individuals with DIS3L2-related conditions. Algorithms developed to predict the effect of missense changes on protein structure and function (SIFT, PolyPhen-2, Align-GVGD) all suggest that this variant is likely to be tolerated, but these predictions have not been confirmed by published functional studies and their clinical significance is uncertain. In summary, the available evidence is currently insufficient to determine the role of this variant in disease. Therefore, it has been classified as a Variant of Uncertain Significance.